The following is an entry in ClinVar:

ClinVar aggregate classification (germline): Uncertain significance (1 of 4 stars; one submission).

Submission:

Revvity Omics, Revvity
Classification: Uncertain significance. Last evaluated: 2022-07-06. Review status: criteria provided, single submitter. Criteria: ACMG Guidelines, 2015. Collection method: clinical testing. Allele origin: germline.

NM_001927.4(DES):c.1217G>T (p.Arg406Leu)

Gene: DES (desmin; plus strand). Cytogenetic location: 2q35.
Variant type: single nucleotide variant.
Coding change: c.1217G>T on transcript NM_001927.4 (MANE Select); coding-DNA position 1217, G replaced by T.
Protein change: p.Arg406Leu; replaces arginine 406 with leucine.
Molecular consequence: missense variant.
Genome position (GRCh38, 1-based): chr2:219,421,533, G>T. VCF-style: chr2-219421533-G-T. GRCh37 (hg19) VCF-style: chr2-220286255-G-T.
Other names: c.1214G>T, p.Arg405Leu (NM_001382708.1); c.785G>T, p.Arg262Leu (NM_001382709.1); c.1148G>T, p.Arg383Leu (NM_001382710.1); c.1196G>T, p.Arg399Leu (NM_001382711.1); c.1217G>T, p.Arg406Leu (NM_001382712.1); c.947G>T, p.Arg316Leu (NM_001382713.1); short protein forms R316L, R383L, R399L, R262L, R405L, R406L.
Identifiers: ClinVar variation 972950 (VCV000972950.5), dbSNP rs1057520275, ClinGen allele CA350695018.